The following is an entry in ClinVar:

ClinVar aggregate classification (germline): Uncertain significance. Review status: criteria provided, multiple submitters, no conflicts (2 of 4 stars). 2 submissions from 2 submitters: Uncertain significance (2). Last evaluated 2024-08-14.

Conditions:
Hereditary cancer-predisposing syndrome. Also called: Neoplastic Syndromes, Hereditary; Tumor predisposition; Hereditary Cancer Syndrome; Hereditary neoplastic syndrome. Identifiers: Orphanet 140162, MedGen C0027672, MeSH D009386, MONDO:0015356.
Hereditary breast ovarian cancer syndrome. Also called: Hereditary breast and ovarian cancer syndrome (HBOC); Hereditary breast and/or ovarian cancer syndrome; Hereditary breast and ovarian cancer; Hereditary breast and ovarian cancer syndrome; BRCA1- and BRCA2-Associated Hereditary Breast and Ovarian Cancer; Breast and ovarian cancer. Identifiers: Orphanet 145, MedGen C0677776, MeSH D061325, MONDO:0003582. Disease mechanism: loss of function.

Submissions (2):

Labcorp Genetics (formerly Invitae), Labcorp
Classification: Uncertain significance for Hereditary breast ovarian cancer syndrome. Last evaluated: 2024-08-14. Review status: criteria provided, single submitter. Criteria: Invitae Variant Classification Sherloc (09022015). Collection method: clinical testing. Allele origin: germline.
Comment: This sequence change replaces histidine, which is basic and polar, with asparagine, which is neutral and polar, at codon 513 of the BRCA1 protein (p.His513Asn). This variant is not present in population databases (gnomAD no frequency). This variant has not been reported in the literature in individuals affected with BRCA1-related conditions. Invitae Evidence Modeling of protein sequence and biophysical properties (such as structural, functional, and spatial information, amino acid conservation, physicochemical variation, residue mobility, and thermodynamic stability) indicates that this missense variant is not expected to disrupt BRCA1 protein function with a negative predictive value of 95%. In summary, the available evidence is currently insufficient to determine the role of this variant in disease. Therefore, it has been classified as a Variant of Uncertain Significance.

Color Diagnostics, LLC DBA Color Health
Classification: Uncertain significance for Hereditary cancer-predisposing syndrome. Last evaluated: 2022-07-26. Review status: criteria provided, single submitter. Criteria: ACMG Guidelines, 2015. Collection method: clinical testing. Allele origin: germline.
Comment: This missense variant replaces histidine with asparagine at codon 513 of the BRCA1 protein. Computational prediction suggests that this variant may not impact protein structure and function (internally defined REVEL score threshold <= 0.5, PMID: 27666373). To our knowledge, functional studies have not been reported for this variant. This variant has not been reported in individuals affected with hereditary cancer in the literature. This variant has not been identified in the general population by the Genome Aggregation Database (gnomAD). The available evidence is insufficient to determine the role of this variant in disease conclusively. Therefore, this variant is classified as a Variant of Uncertain Significance.

NM_007294.4(BRCA1):c.1537C>A (p.His513Asn)

Gene: BRCA1 (BRCA1 DNA repair associated; minus strand). Cytogenetic location: 17q21.31.
Variant type: single nucleotide variant.
Coding change: c.1537C>A on transcript NM_007294.4 (MANE Select); coding-DNA position 1537, C replaced by A.
Protein change: p.His513Asn; replaces histidine 513 with asparagine.
Molecular consequence: missense variant. On other transcripts: intron variant (137).
Genome position (GRCh38, 1-based): chr17:43,093,994, G>T on the plus strand (C>A on the coding strand, the complement: BRCA1 is on the minus strand). VCF-style: chr17-43093994-G-T. GRCh37 (hg19) VCF-style: chr17-41246011-G-T.
Other names: c.1204C>A, p.His402Asn (NM_001407949.1, NM_001407950.1, NM_001407951.1 and 6 more transcripts); c.1537C>A, p.His513Asn (NM_001407582.1, NM_001407583.1, NM_001407585.1 and 30 more transcripts); c.1534C>A, p.His512Asn (NM_001407587.1, NM_001407590.1, NM_001407591.1 and 22 more transcripts); c.1201C>A, p.His401Asn (NM_001407955.1, NM_001407954.1, NM_001407956.1 and 1 more transcripts); c.1528C>A, p.His510Asn (NM_001407647.1, NM_001407646.1); c.1414C>A, p.His472Asn (NM_001407648.1, NM_001407664.1, NM_001407665.1 and 19 more transcripts); c.1411C>A, p.His471Asn (NM_001407649.1, NM_001407670.1, NM_001407671.1 and 11 more transcripts); c.1459C>A, p.His487Asn (NM_001407653.1, NM_001407654.1, NM_001407655.1 and 4 more transcripts); and 40 more; short protein forms H345N, H466N, H513N, H401N, H446N, H465N, H510N, H512N.
Identifiers: ClinVar variation 2774858 (VCV002774858.4), dbSNP rs2154439034, ClinGen allele CA10598980.